The following is an entry in ClinVar:

NM_033223.5(GABRG3):c.336A>G (p.Thr112=)

Gene: GABRG3 (gamma-aminobutyric acid type A receptor subunit gamma3; plus strand). Cytogenetic location: 15q12.
Variant type: single nucleotide variant.
Coding change: c.336A>G on transcript NM_033223.5 (MANE Select); coding-DNA position 336, A replaced by G.
Protein change: p.Thr112=; no amino-acid change (threonine 112 retained).
Molecular consequence: synonymous variant.
Genome position (GRCh38, 1-based): chr15:27,326,874, A>G. VCF-style: chr15-27326874-A-G. GRCh37 (hg19) VCF-style: chr15-27572021-A-G.
Other names: c.336A>G, p.Thr112= (NM_001270873.2).
Identifiers: ClinVar variation 100886 (VCV000100886.2), dbSNP rs483352763, ClinGen allele CA229200.

ClinVar aggregate classification (germline): Uncertain significance. Review status: no assertion criteria provided (0 of 4 stars). 2 submissions from 1 submitter: Uncertain significance (1). 1 of the submissions does not count toward it.

Submissions (2):

Richard Lifton Laboratory, Yale University School of Medicine
Classification: Uncertain significance. Review status: no assertion criteria provided. Collection method: not provided. Allele origin: somatic.
Comment: GABRG3:p.T112T
ClinVar note: Converted during submission from unknown to Uncertain significance.

Richard Lifton Laboratory, Yale University School of Medicine
Classification: Uncertain significance. Review status: flagged submission. Collection method: not provided. Allele origin: somatic. Not counted in ClinVar's aggregate classification.
ClinVar note: Converted during submission from unknown to Uncertain significance.
ClinVar note: Reason: This record appears to be redundant with a more recent record from the same submitter.
ClinVar note: Notes: SCV000120111 appears to be redundant with SCV000155215.